The following is an entry in ClinVar:

NM_001142800.2(EYS):c.1335T>A (p.Cys445Ter)

Gene: EYS (EGF-like photoreceptor maintenance factor; minus strand). Cytogenetic location: 6q12.
Variant type: single nucleotide variant.
Coding change: c.1335T>A on transcript NM_001142800.2 (MANE Select); coding-DNA position 1335, T replaced by A.
Protein change: p.Cys445Ter; replaces cysteine 445 with a stop codon.
Molecular consequence: nonsense.
Genome position (GRCh38, 1-based): chr6:65,353,582, A>T on the plus strand (T>A on the coding strand, the complement: EYS is on the minus strand). VCF-style: chr6-65353582-A-T. GRCh37 (hg19) VCF-style: chr6-66063475-A-T.
Other names: c.1335T>A, p.Cys445Ter (NM_001142801.2, NM_001292009.2, NM_198283.2); c.1335T>A (NM_001142800.1); short protein forms C445*.
Identifiers: ClinVar variation 2675295 (VCV002675295.5), dbSNP rs2150327300, ClinGen allele CA364661881.

ClinVar aggregate classification (germline): Pathogenic/Likely pathogenic. Review status: criteria provided, multiple submitters, no conflicts (2 of 4 stars). 3 submissions from 3 submitters: Pathogenic (1); Likely pathogenic (2). Last evaluated 2026-01-29.

Conditions:
Retinitis pigmentosa 25 (RP25). Identifiers: Orphanet 791, MedGen C1864446, MONDO:0011272, OMIM 602772.

Allele frequency attached by ClinVar (database versions not stated): gnomAD exomes 0.00001.
gnomAD v4.1: 5 of 1,613,220 alleles (0.00031%); highest among the groups gnomAD compares: Non-Finnish European, 0.00042%; no homozygotes.

Submissions (3):

Natera, Inc.
Classification: Likely pathogenic for Retinitis pigmentosa type 25. Last evaluated: 2026-01-29. Review status: criteria provided, single submitter. Criteria: Natera Variant Classification Schema (03/2026). Collection method: clinical testing. Allele origin: germline.
Comment: The c.1335T>A variant in EYS is a nonsense variant predicted to introduce a stop codon at amino acid 445. This variant is expected to result in nonsense mediated decay, truncation, or a dysfunctional protein product. This variant is rare in the general population with a frequency below the threshold expected for the associated phenotype(s). Given the available evidence, this variant is classified as Likely Pathogenic.

Baylor Genetics
Classification: Likely pathogenic for Retinitis pigmentosa 25. Last evaluated: 2023-03-01. Review status: criteria provided, single submitter. Criteria: ACMG Guidelines, 2015. Collection method: clinical testing. Allele origin: unknown.

Labcorp Genetics (formerly Invitae), Labcorp
Classification: Pathogenic. Last evaluated: 2022-10-29. Review status: criteria provided, single submitter. Criteria: Invitae Variant Classification Sherloc (09022015). Collection method: clinical testing. Allele origin: germline.
Comment: For these reasons, this variant has been classified as Pathogenic. This variant has not been reported in the literature in individuals affected with EYS-related conditions. This variant is not present in population databases (gnomAD no frequency). This sequence change creates a premature translational stop signal (p.Cys445*) in the EYS gene. It is expected to result in an absent or disrupted protein product. Loss-of-function variants in EYS are known to be pathogenic (PMID: 18836446, 20333770).

Literature cited by the submitters: PubMed 18836446 (cited by Labcorp Genetics (formerly Invitae), Labcorp); PubMed 20333770 (cited by Labcorp Genetics (formerly Invitae), Labcorp).